The following is an entry in ClinVar:

NM_002693.3(POLG):c.129G>A (p.Gln43=)

Genes: POLG (DNA polymerase gamma, catalytic subunit; minus strand), POLGARF (POLG alternative reading frame; minus strand). Cytogenetic location: 15q26.1.
Variant type: single nucleotide variant.
Coding change: c.129G>A on transcript NM_002693.3 (MANE Select); coding-DNA position 129, G replaced by A.
Protein change: p.Gln43=; no amino-acid change (glutamine 43 retained).
Molecular consequence: synonymous variant.
Genome position (GRCh38, 1-based): chr15:89,333,626, C>T on the plus strand (G>A on the coding strand, the complement: POLG is on the minus strand). VCF-style: chr15-89333626-C-T. GRCh37 (hg19) VCF-style: chr15-89876857-C-T.
Other names: c.129G>A, p.Gln43= (NM_001126131.2).
Identifiers: ClinVar variation 597073 (VCV000597073.20), dbSNP rs570989155, ClinGen allele CA7725199.
Genomic context (GRCh38, chr15:89,333,626, plus strand): 5'-GGATAGCACTTGCGGCTGCTGAGGCTGCTGTTGCTGCTGCTGCTGCTGCTGCTGCTGCTG[C>T]TGCCGCCGCCGCTGCCCGTCGCTGGGGTCGGACGCGGGGACGGAGCTGGAGACCCAGCGC-3'
Protein context (NP_002684.1, residues 33-53): SDPSDGQRRR[Gln43=]QQQQQQQQQQ

ClinVar aggregate classification (germline): Conflicting classifications of pathogenicity. Review status: criteria provided, conflicting classifications (1 of 4 stars). 6 submissions from 6 submitters: Uncertain significance (2); Likely benign (3). 1 of the submissions does not count toward it. Last evaluated 2025-10-06.

Conditions:
Progressive sclerosing poliodystrophy (MTDPS4A). Also called: Alpers Syndrome; Mitochondrial DNA depletion syndrome 4A (Alpers type); Mitochondrial DNA Depletion Syndrome 4A; Alpers-Huttenlocher Syndrome (AHS); ALPERS PROGRESSIVE INFANTILE POLIODYSTROPHY; ALPERS DIFFUSE DEGENERATION OF CEREBRAL GRAY MATTER WITH HEPATIC CIRRHOSIS. Identifiers: Orphanet 726, MedGen C0205710, MONDO:0008758, OMIM 203700.
POLG-related disorder. Also called: POLG-Related Spectrum Disorders; POLG-related condition; POLG-Related Disorders. Identifiers: MedGen C4763519.

Allele frequency attached by ClinVar (database versions not stated): TOPMed below 0.00001; gnomAD 0.00001; gnomAD exomes 0.00003 and 0.00006; ExAC 0.00011; 1000 Genomes Project 0.00040.
gnomAD v4.1: 47 of 1,597,436 alleles (0.0029%); highest among the groups gnomAD compares: South Asian, 0.05%; no homozygotes.

Submissions (6):

Labcorp Genetics (formerly Invitae), Labcorp
Classification: Likely benign for Progressive sclerosing poliodystrophy. Last evaluated: 2025-10-06. Review status: criteria provided, single submitter. Criteria: Invitae Variant Classification Sherloc (09022015). Collection method: clinical testing. Allele origin: germline.

Revvity Omics, Revvity
Classification: Uncertain significance. Last evaluated: 2025-06-06. Review status: criteria provided, single submitter. Criteria: ACMG Guidelines, 2015. Collection method: clinical testing. Allele origin: germline.

Blueprint Genetics
Classification: Likely benign. Last evaluated: 2024-06-24. Review status: criteria provided, single submitter. Criteria: ACMG Guidelines, 2015. Collection method: clinical testing. Allele origin: germline.

GeneDx
Classification: Likely benign. Last evaluated: 2019-07-11. Review status: criteria provided, single submitter. Criteria: GeneDx Variant Classification Process June 2021. Collection method: clinical testing. Allele origin: germline. Affected: yes.

Eurofins Ntd Llc (ga)
Classification: Uncertain significance. Last evaluated: 2018-05-01. Review status: criteria provided, single submitter. Criteria: EGL ClinVar v180209 classification definitions. Collection method: clinical testing. Allele origin: germline. Observed: 1 variant allele, 1 heterozygote.

PreventionGenetics, part of Exact Sciences
Classification: Likely benign for POLG-related condition. Last evaluated: 2021-03-30. Review status: no assertion criteria provided. Collection method: clinical testing. Allele origin: germline. Not counted in ClinVar's aggregate classification.
Comment: This variant is classified as likely benign based on ACMG/AMP sequence variant interpretation guidelines (Richards et al. 2015 PMID: 25741868, with internal and published modifications).